The following is an entry in ClinVar:

ClinVar aggregate classification (germline): Uncertain significance (1 of 4 stars; one submission).

Conditions:
D-2-hydroxyglutaric aciduria 2 (D2HGA2). Identifiers: Orphanet 79315, MedGen C3150909, MONDO:0013345, OMIM 613657.

Allele frequency attached by ClinVar (database versions not stated): gnomAD exomes below 0.00001.
gnomAD v4.1: 3 of 1,613,940 alleles (0.00019%); highest among the groups gnomAD compares: East Asian, 0.0022%; no homozygotes.

Submission:

Labcorp Genetics (formerly Invitae), Labcorp
Classification: Uncertain significance for D-2-hydroxyglutaric aciduria 2. Last evaluated: 2023-11-16. Review status: criteria provided, single submitter. Criteria: Invitae Variant Classification Sherloc (09022015). Collection method: clinical testing. Allele origin: germline.
Comment: This sequence change replaces methionine, which is neutral and non-polar, with valine, which is neutral and non-polar, at codon 221 of the IDH2 protein (p.Met221Val). This variant is not present in population databases (gnomAD no frequency). This variant has not been reported in the literature in individuals affected with IDH2-related conditions. Advanced modeling of protein sequence and biophysical properties (such as structural, functional, and spatial information, amino acid conservation, physicochemical variation, residue mobility, and thermodynamic stability) performed at Invitae indicates that this missense variant is not expected to disrupt IDH2 protein function with a negative predictive value of 80%. In summary, the available evidence is currently insufficient to determine the role of this variant in disease. Therefore, it has been classified as a Variant of Uncertain Significance.

NM_002168.4(IDH2):c.661A>G (p.Met221Val)

Gene: IDH2 (isocitrate dehydrogenase (NADP(+)) 2; minus strand). Cytogenetic location: 15q26.1.
Variant type: single nucleotide variant.
Coding change: c.661A>G on transcript NM_002168.4 (MANE Select); coding-DNA position 661, A replaced by G.
Protein change: p.Met221Val; replaces methionine 221 with valine.
Molecular consequence: missense variant.
Genome position (GRCh38, 1-based): chr15:90,088,376, T>C on the plus strand (A>G on the coding strand, the complement: IDH2 is on the minus strand). VCF-style: chr15-90088376-T-C. GRCh37 (hg19) VCF-style: chr15-90631608-T-C.
Other names: c.505A>G, p.Met169Val (NM_001289910.1); c.271A>G, p.Met91Val (NM_001290114.2); short protein forms M221V, M169V, M91V.
Identifiers: ClinVar variation 2694088 (VCV002694088.3), dbSNP rs1009185351, ClinGen allele CA393801912.